The following is an entry in ClinVar:

NM_004972.4(JAK2):c.701G>A (p.Arg234His)

Genes: INSL6 (insulin like 6; minus strand), JAK2 (Janus kinase 2; plus strand). Cytogenetic location: 9p24.1.
Variant type: single nucleotide variant.
Coding change: c.701G>A on transcript NM_004972.4 (MANE Select); coding-DNA position 701, G replaced by A.
Protein change: p.Arg234His; replaces arginine 234 with histidine.
Molecular consequence: missense variant. On other transcripts: 5 prime UTR variant (2), non-coding transcript variant (2).
Genome position (GRCh38, 1-based): chr9:5,054,649, G>A. VCF-style: chr9-5054649-G-A. GRCh37 (hg19) VCF-style: chr9-5054649-G-A.
Other names: c.701G>A, p.Arg234His (NM_001322195.2, NM_001322196.2, NM_001322194.2); c.-420G>A (NM_001322198.2, NM_001322199.2); c.254G>A, p.Arg85His (NM_001322204.2); short protein forms R234H, R85H.
Identifiers: ClinVar variation 2973779 (VCV002973779.3), dbSNP rs373174105, ClinGen allele CA4971653.

ClinVar aggregate classification (germline): Uncertain significance (1 of 4 stars; one submission).

Allele frequency attached by ClinVar (database versions not stated): ExAC 0.00002; TOPMed 0.00002; gnomAD 0.00004; ESP Exome Variant Server 0.00008.
gnomAD v4.1: 24 of 1,612,988 alleles (0.0015%); highest among the groups gnomAD compares: Middle Eastern, 0.016%; no homozygotes.

Submission:

Labcorp Genetics (formerly Invitae), Labcorp
Classification: Uncertain significance. Last evaluated: 2024-01-26. Review status: criteria provided, single submitter. Criteria: Invitae Variant Classification Sherloc (09022015). Collection method: clinical testing. Allele origin: germline.
Comment: This sequence change replaces arginine, which is basic and polar, with histidine, which is basic and polar, at codon 234 of the JAK2 protein (p.Arg234His). This variant is present in population databases (rs373174105, gnomAD 0.006%). This variant has not been reported in the literature in individuals affected with JAK2-related conditions. Advanced modeling of protein sequence and biophysical properties (such as structural, functional, and spatial information, amino acid conservation, physicochemical variation, residue mobility, and thermodynamic stability) performed at Invitae indicates that this missense variant is not expected to disrupt JAK2 protein function with a negative predictive value of 80%. In summary, the available evidence is currently insufficient to determine the role of this variant in disease. Therefore, it has been classified as a Variant of Uncertain Significance.